The following is an entry in ClinVar:

NM_001006658.3(CR2):c.1893T>A (p.Tyr631Ter)

Gene: CR2 (complement C3d receptor 2; plus strand). Cytogenetic location: 1q32.2.
Variant type: single nucleotide variant.
Coding change: c.1893T>A on transcript NM_001006658.3 (MANE Select); coding-DNA position 1893, T replaced by A.
Protein change: p.Tyr631Ter; replaces tyrosine 631 with a stop codon.
Molecular consequence: nonsense.
Genome position (GRCh38, 1-based): chr1:207,473,094, T>A. VCF-style: chr1-207473094-T-A. GRCh37 (hg19) VCF-style: chr1-207646439-T-A.
Other names: c.1893T>A, p.Tyr631Ter (NM_001877.5); short protein forms Y631*.
Identifiers: ClinVar variation 939627 (VCV000939627.7), dbSNP rs1331358695, ClinGen allele CA344535124.

ClinVar aggregate classification (germline): Pathogenic (1 of 4 stars; one submission).

Conditions:
Immunodeficiency, common variable, 7. Identifiers: Orphanet 1572, Orphanet 696894, MedGen C3542922, MONDO:0013862, OMIM 614699.

Allele frequency attached by ClinVar (database versions not stated): TOPMed below 0.00001.
gnomAD v4.1: 1 of 1,613,876 alleles (0.000062%); highest among the groups gnomAD compares: African/African-American, 0.0013%; no homozygotes.

Submission:

Labcorp Genetics (formerly Invitae), Labcorp
Classification: Pathogenic for Immunodeficiency, common variable, 7. Last evaluated: 2022-08-22. Review status: criteria provided, single submitter. Criteria: Invitae Variant Classification Sherloc (09022015). Collection method: clinical testing. Allele origin: germline.
Comment: For these reasons, this variant has been classified as Pathogenic. ClinVar contains an entry for this variant (Variation ID: 939627). This variant has not been reported in the literature in individuals affected with CR2-related conditions. This variant is not present in population databases (gnomAD no frequency). This sequence change creates a premature translational stop signal (p.Tyr631*) in the CR2 gene. It is expected to result in an absent or disrupted protein product. Loss-of-function variants in CR2 are known to be pathogenic (PMID: 26325596, 28499783).

Literature cited by the submitters: PubMed 26325596; PubMed 28499783.